The following is an entry in ClinVar:

NM_000760.4(CSF3R):c.1718C>T (p.Ser573Phe)

Gene: CSF3R (colony stimulating factor 3 receptor; minus strand). Cytogenetic location: 1p34.3.
Variant type: single nucleotide variant.
Coding change: c.1718C>T on transcript NM_000760.4 (MANE Select); coding-DNA position 1718, C replaced by T.
Protein change: p.Ser573Phe; replaces serine 573 with phenylalanine.
Molecular consequence: missense variant.
Genome position (GRCh38, 1-based): chr1:36,468,080, G>A on the plus strand (C>T on the coding strand, the complement: CSF3R is on the minus strand). VCF-style: chr1-36468080-G-A. GRCh37 (hg19) VCF-style: chr1-36933681-G-A.
Other names: c.1718C>T, p.Ser573Phe (NM_156039.3, NM_172313.3); short protein forms S573F.
Identifiers: ClinVar variation 3673374 (VCV003673374.2).

ClinVar aggregate classification (germline): Uncertain significance (1 of 4 stars; one submission).

Conditions:
Autosomal recessive severe congenital neutropenia due to CSF3R deficiency. Also called: Neutropenia, severe congenital, 7, autosomal recessive. Identifiers: Orphanet 420702, MedGen C4310764, MONDO:0014865, OMIM 617014.

gnomAD v4.1: 14 of 1,614,130 alleles (0.00087%); highest among the groups gnomAD compares: African/African-American, 0.019%; no homozygotes.

Submission:

Labcorp Genetics (formerly Invitae), Labcorp
Classification: Uncertain significance for Autosomal recessive severe congenital neutropenia due to CSF3R deficiency. Last evaluated: 2025-10-26. Review status: criteria provided, single submitter. Criteria: Invitae Variant Classification Sherloc (09022015). Collection method: clinical testing. Allele origin: germline.
Comment: This sequence change replaces serine, which is neutral and polar, with phenylalanine, which is neutral and non-polar, at codon 573 of the CSF3R protein (p.Ser573Phe). This variant is present in population databases (rs752378580, gnomAD 0.04%). This variant has not been reported in the literature in individuals affected with CSF3R-related conditions. ClinVar contains an entry for this variant (Variation ID: 3673374). An algorithm developed to predict the effect of missense changes on protein structure and function outputs the following: PolyPhen-2: "Benign". The phenylalanine amino acid residue is found in multiple mammalian species, which suggests that this missense change does not adversely affect protein function. In summary, the available evidence is currently insufficient to determine the role of this variant in disease. Therefore, it has been classified as a Variant of Uncertain Significance.